The following is an entry in ClinVar:

ClinVar aggregate classification (germline): Uncertain significance (1 of 4 stars; one submission).

gnomAD v4.1: 2 of 1,610,892 alleles (0.00012%); highest among the groups gnomAD compares: Admixed American, 0.0017%; no homozygotes.

Submission:

Women's Health and Genetics/Laboratory Corporation of America, LabCorp
Classification: Uncertain significance. Last evaluated: 2026-06-26. Review status: criteria provided, single submitter. Criteria: LabCorp Variant Classification Summary - May 2015. Collection method: clinical testing. Allele origin: germline.
Comment: Variant summary: BPTF c.4682A>G (p.Asn1561Ser) results in a conservative amino acid change in the encoded protein sequence. Algorithms developed to predict the effect of missense changes on protein structure and function all suggest that this variant is likely to be tolerated. The frequency data for this variant in gnomAD is considered unreliable, as metrics indicate poor data quality at this position. To our knowledge, no occurrence of c.4682A>G in individuals affected with BPTF-related conditions and no experimental evidence demonstrating its impact on protein function have been reported. No submitters have cited clinical-significance assessments for this variant to ClinVar. Based on the evidence outlined above, the variant was classified as uncertain significance.

NM_182641.4(BPTF):c.4304A>G (p.Asn1435Ser)

Gene: BPTF (bromodomain PHD finger transcription factor; plus strand). Cytogenetic location: 17q24.2.
Variant type: single nucleotide variant.
Coding change: c.4304A>G on transcript NM_182641.4 (MANE Select); coding-DNA position 4304, A replaced by G.
Protein change: p.Asn1435Ser; replaces asparagine 1435 with serine.
Molecular consequence: missense variant.
Genome position (GRCh38, 1-based): chr17:67,912,188, A>G. VCF-style: chr17-67912188-A-G. GRCh37 (hg19) VCF-style: chr17-65908304-A-G.
Other names: c.4493A>G, p.Asn1498Ser (NM_001439139.1, NM_001439141.1, NM_001439143.1 and 1 more transcripts); c.4682A>G, p.Asn1561Ser (NM_001439140.1, NM_001439142.1, NM_004459.7); short protein forms N1435S, N1498S, N1561S.
Identifiers: ClinVar variation 4887652 (VCV004887652.1).
Genomic context (GRCh38, chr17:67,912,188, plus strand): 5'-AAATATATTTGAAAGGTGAATGCTTGAAAGAAATTTCTGAGAGTAGAGTAGTAAGTGGTA[A>G]TGTTGAACCAAAGGTTAATAATATAAATAAAATAATCCCTGAGAATGATATTAAATCATT-3'
Protein context (NP_872579.2, residues 1425-1445): EISESRVVSG[Asn1435Ser]VEPKVNNINK